The following is an entry in ClinVar:

ClinVar aggregate classification (germline): Benign. Review status: criteria provided, multiple submitters, no conflicts (2 of 4 stars). 2 submissions from 2 submitters: Benign (2). Last evaluated 2018-01-13.

Conditions:
Occult macular dystrophy (OCMD). Also called: OMD; OCCULT MACULAR DYSTROPHY, SUSCEPTIBILITY TO. Identifiers: Orphanet 247834, MedGen C3150833, MONDO:0013316, OMIM 613587, HP:0030636.

Allele frequency attached by ClinVar (database versions not stated): 1000 Genomes Project 30x 0.02889; 1000 Genomes Project 0.03015; TOPMed 0.03406; gnomAD exomes 0.03437 and 0.03704; ExAC 0.03492; gnomAD 0.03533 and 0.03545; ESP Exome Variant Server 0.03678.
gnomAD v4.1: 59,804 of 1,613,902 alleles (3.7%); highest among the groups gnomAD compares: Middle Eastern, 7%; 1,272 homozygotes.

Submissions (2):

Illumina Laboratory Services, Illumina
Classification: Benign for Occult macular dystrophy. Last evaluated: 2018-01-13. Review status: criteria provided, single submitter. Criteria: ICSL Variant Classification Criteria 13 December 2019. Collection method: clinical testing. Allele origin: germline.
Comment: This variant was observed in the ICSL laboratory as part of a predisposition screen in an ostensibly healthy population. It had not been previously curated by ICSL or reported in the Human Gene Mutation Database (HGMD: prior to June 1st, 2018), and was therefore a candidate for classification through an automated scoring system. Utilizing variant allele frequency, disease prevalence and penetrance estimates, and inheritance mode, an automated score was calculated to assess if this variant is too frequent to cause the disease. Based on the score and internal cut-off values, a variant classified as benign is not then subjected to further curation. The score for this variant resulted in a classification of benign for this disease.

Breakthrough Genomics
Classification: Benign. Review status: criteria provided, single submitter. Criteria: ACMG Guidelines, 2015. Collection method: not provided. Allele origin: germline. Inheritance: Autosomal recessive inheritance. Affected: yes.

NM_178857.6(RP1L1):c.5519C>G (p.Ala1840Gly)

Gene: RP1L1 (RP1 like 1). Cytogenetic location: 8p23.1.
Variant type: single nucleotide variant.
Coding change: c.5519C>G on transcript NM_178857.6 (MANE Select); coding-DNA position 5519, C replaced by G.
Protein change: p.Ala1840Gly; replaces alanine 1840 with glycine.
Molecular consequence: missense variant.
Genome position (GRCh38, 1-based): chr8:10,608,579, G>C on the plus strand (C>G on the coding strand, the complement: RP1L1 is on the minus strand). VCF-style: chr8-10608579-G-C. GRCh37 (hg19) VCF-style: chr8-10466089-G-C.
Other names: short protein forms A1840G.
Identifiers: ClinVar variation 361250 (VCV000361250.6), dbSNP rs77968698, ClinGen allele CA4623626.